The following is an entry in ClinVar:

ClinVar aggregate classification (germline): Uncertain significance (1 of 4 stars; one submission).

Allele frequency attached by ClinVar (database versions not stated): ExAC 0.00002; gnomAD 0.00002; gnomAD exomes 0.00002; TOPMed 0.00003.
gnomAD v4.1: 28 of 1,613,420 alleles (0.0017%); highest among the groups gnomAD compares: Middle Eastern, 0.016%; no homozygotes.

Submission:

Labcorp Genetics (formerly Invitae), Labcorp
Classification: Uncertain significance. Last evaluated: 2024-09-23. Review status: criteria provided, single submitter. Criteria: Invitae Variant Classification Sherloc (09022015). Collection method: clinical testing. Allele origin: germline.
Comment: This sequence change replaces arginine, which is basic and polar, with glutamine, which is neutral and polar, at codon 510 of the DSCAML1 protein (p.Arg510Gln). This variant is present in population databases (rs781616775, gnomAD 0.004%). This variant has not been reported in the literature in individuals affected with DSCAML1-related conditions. An algorithm developed to predict the effect of missense changes on protein structure and function (PolyPhen-2) suggests that this variant is likely to be disruptive. In summary, the available evidence is currently insufficient to determine the role of this variant in disease. Therefore, it has been classified as a Variant of Uncertain Significance.

NM_020693.4(DSCAML1):c.1349G>A (p.Arg450Gln)

Gene: DSCAML1 (DS cell adhesion molecule like 1; minus strand). Cytogenetic location: 11q23.3.
Variant type: single nucleotide variant.
Coding change: c.1349G>A on transcript NM_020693.4 (MANE Select); coding-DNA position 1349, G replaced by A.
Protein change: p.Arg450Gln; replaces arginine 450 with glutamine.
Molecular consequence: missense variant.
Genome position (GRCh38, 1-based): chr11:117,518,627, C>T on the plus strand (G>A on the coding strand, the complement: DSCAML1 is on the minus strand). VCF-style: chr11-117518627-C-T. GRCh37 (hg19) VCF-style: chr11-117389342-C-T.
Other names: c.1349G>A, p.Arg450Gln (NM_001367904.1); c.941G>A, p.Arg314Gln (NM_001367905.1); short protein forms R314Q, R450Q.
Identifiers: ClinVar variation 2966535 (VCV002966535.3), dbSNP rs781616775, ClinGen allele CA6297285.